The following is an entry in ClinVar:

ClinVar aggregate classification (germline): Uncertain significance. Review status: criteria provided, multiple submitters, no conflicts (2 of 4 stars). 2 submissions from 2 submitters: Uncertain significance (2). Last evaluated 2023-12-13.

Conditions:
Tuberous sclerosis 2 (TSC2). Identifiers: Orphanet 805, MedGen C1860707, MONDO:0013199, OMIM 613254.
Tuberous sclerosis syndrome (TSC). Also called: Tuberous Sclerosis Complex; Tuberous sclerosis. Identifiers: Orphanet 805, MedGen C0041341, MONDO:0001734.

Submissions (2):

All of Us Research Program, National Institutes of Health
Classification: Uncertain significance for Tuberous sclerosis syndrome. Last evaluated: 2023-12-13. Review status: criteria provided, single submitter. Criteria: ACMG Guidelines, 2015. Collection method: clinical testing. Allele origin: germline. Inheritance: Autosomal dominant inheritance. Observed: 1 variant allele, 1 heterozygote.
Comment: This missense variant replaces proline with threonine at codon 669 of the TSC2 protein. Computational prediction suggests that this variant may not impact protein structure and function (internally defined REVEL score threshold <= 0.5, PMID: 27666373). To our knowledge, functional studies have not been reported for this variant. This variant has not been reported in individuals affected with TSC2-related disorders in the literature. This variant has not been identified in the general population by the Genome Aggregation Database (gnomAD). The available evidence is insufficient to determine the role of this variant in disease conclusively. Therefore, this variant is classified as a Variant of Uncertain Significance.

This study involves interpretation of variants in research participants for the purpose of population health screening. Participant phenotype was not available at the time of variant classification. Additional details can be found in publication PMID: 35346344, PMCID: PMC8962531

Labcorp Genetics (formerly Invitae), Labcorp
Classification: Uncertain significance for Tuberous sclerosis 2. Last evaluated: 2023-11-15. Review status: criteria provided, single submitter. Criteria: Invitae Variant Classification Sherloc (09022015). Collection method: clinical testing. Allele origin: germline.
Comment: This sequence change replaces proline, which is neutral and non-polar, with threonine, which is neutral and polar, at codon 669 of the TSC2 protein (p.Pro669Thr). This variant is not present in population databases (gnomAD no frequency). This variant has not been reported in the literature in individuals affected with TSC2-related conditions. Advanced modeling of protein sequence and biophysical properties (such as structural, functional, and spatial information, amino acid conservation, physicochemical variation, residue mobility, and thermodynamic stability) performed at Invitae indicates that this missense variant is not expected to disrupt TSC2 protein function with a negative predictive value of 95%. In summary, the available evidence is currently insufficient to determine the role of this variant in disease. Therefore, it has been classified as a Variant of Uncertain Significance.

NM_000548.5(TSC2):c.2005C>A (p.Pro669Thr)

Gene: TSC2 (TSC complex subunit 2; plus strand). Cytogenetic location: 16p13.3.
Variant type: single nucleotide variant.
Coding change: c.2005C>A on transcript NM_000548.5 (MANE Select); coding-DNA position 2005, C replaced by A.
Protein change: p.Pro669Thr; replaces proline 669 with threonine.
Molecular consequence: missense variant. On other transcripts: non-coding transcript variant (5).
Genome position (GRCh38, 1-based): chr16:2,071,842, C>A. VCF-style: chr16-2071842-C-A. GRCh37 (hg19) VCF-style: chr16-2121843-C-A.
Other names: c.2005C>A, p.Pro669Thr (NM_001406663.1, NM_001406664.1, NM_001406665.1 and 6 more transcripts); c.2095C>A, p.Pro699Thr (NM_001406667.1, NM_001406668.1); c.1894C>A, p.Pro632Thr (NM_001406670.1, NM_001318827.2, NM_001406678.1); c.1993C>A, p.Pro665Thr (NM_001406671.1, NM_001406673.1); c.1858C>A, p.Pro620Thr (NM_001406675.1, NM_001406676.1, NM_001318829.2 and 1 more transcripts); c.1405C>A, p.Pro469Thr (NM_001406686.1, NM_001406687.1, NM_001406688.1 and 6 more transcripts); c.661C>A, p.Pro221Thr (NM_001406689.1, NM_001406690.1, NM_001406691.1 and 6 more transcripts); c.2038C>A, p.Pro680Thr (NM_001318832.2); and 3 more; short protein forms P135T, P665T, P669T, P680T, P650T, P221T, P469T, P620T.
Identifiers: ClinVar variation 2825177 (VCV002825177.4), dbSNP rs2151305683, ClinGen allele CA394274455.